The following is an entry in ClinVar:

NM_001036.6(RYR3):c.9817G>A (p.Val3273Met)

Gene: RYR3 (ryanodine receptor 3; plus strand). Cytogenetic location: 15q14.
Variant type: single nucleotide variant.
Coding change: c.9817G>A on transcript NM_001036.6 (MANE Select); coding-DNA position 9817, G replaced by A.
Protein change: p.Val3273Met; replaces valine 3273 with methionine.
Molecular consequence: missense variant.
Genome position (GRCh38, 1-based): chr15:33,788,445, G>A. VCF-style: chr15-33788445-G-A. GRCh37 (hg19) VCF-style: chr15-34080646-G-A.
Other names: c.9817G>A, p.Val3273Met (NM_001243996.4); short protein forms V3273M.
Identifiers: ClinVar variation 1017120 (VCV001017120.8), dbSNP rs369695196, ClinGen allele CA7460617.
Genomic context (GRCh38, chr15:33,788,445, plus strand): 5'-GACGAGTTCGCGGTCCTCTGCAGAGATCTCTATGCCTTCTACCCCATGCTGATCCGCTAC[G>A]TGGACAACAACAGGTACGGAGGAGAGCACTAGGAGCCTGTCTGCCCCTCTGTGGGGCTAG-3'
Protein context (NP_001027.3, residues 3263-3283): YAFYPMLIRY[Val3273Met]DNNRSNWLKS

ClinVar aggregate classification (germline): Uncertain significance (1 of 4 stars; one submission).

Conditions:
Epileptic encephalopathy. Identifiers: MedGen C0543888, HP:0200134.

Allele frequency attached by ClinVar (database versions not stated): ExAC 0.00001; gnomAD 0.00001; TOPMed 0.00001; gnomAD exomes 0.00002; ESP Exome Variant Server 0.00008.
gnomAD v4.1: 36 of 1,613,686 alleles (0.0022%); highest among the groups gnomAD compares: Non-Finnish European, 0.0028%; no homozygotes.

Submission:

Labcorp Genetics (formerly Invitae), Labcorp
Classification: Uncertain significance for Epileptic encephalopathy. Last evaluated: 2024-02-24. Review status: criteria provided, single submitter. Criteria: Invitae Variant Classification Sherloc (09022015). Collection method: clinical testing. Allele origin: germline.
Comment: This sequence change replaces valine, which is neutral and non-polar, with methionine, which is neutral and non-polar, at codon 3273 of the RYR3 protein (p.Val3273Met). This variant is present in population databases (rs369695196, gnomAD 0.005%). This variant has not been reported in the literature in individuals affected with RYR3-related conditions. ClinVar contains an entry for this variant (Variation ID: 1017120). Advanced modeling of protein sequence and biophysical properties (such as structural, functional, and spatial information, amino acid conservation, physicochemical variation, residue mobility, and thermodynamic stability) performed at Invitae indicates that this missense variant is not expected to disrupt RYR3 protein function with a negative predictive value of 80%. In summary, the available evidence is currently insufficient to determine the role of this variant in disease. Therefore, it has been classified as a Variant of Uncertain Significance.